The following is an entry in ClinVar:

NM_024496.4(IRF2BPL):c.315A>G (p.Gln105=)

Genes: IRF2BPL (interferon regulatory factor 2 binding protein like; minus strand), LOC107984638 (uncharacterized LOC107984638; plus strand). Cytogenetic location: 14q24.3.
Variant type: single nucleotide variant.
Coding change: c.315A>G on transcript NM_024496.4 (MANE Select); coding-DNA position 315, A replaced by G.
Protein change: p.Gln105=; no amino-acid change (glutamine 105 retained).
Molecular consequence: synonymous variant. On other transcripts: non-coding transcript variant (3).
Genome position (GRCh38, 1-based): chr14:77,027,478, T>C on the plus strand (A>G on the coding strand, the complement: IRF2BPL is on the minus strand). VCF-style: chr14-77027478-T-C. GRCh37 (hg19) VCF-style: chr14-77493821-T-C.
Identifiers: ClinVar variation 4533529 (VCV004533529.7).

ClinVar aggregate classification (germline): Likely benign. Review status: criteria provided, multiple submitters, no conflicts (2 of 4 stars). 2 submissions from 2 submitters: Likely benign (2). Last evaluated 2025-10-01.

Submissions (2):

CeGaT Center for Human Genetics Tuebingen
Classification: Likely benign. Last evaluated: 2025-10-01. Review status: criteria provided, single submitter. Criteria: CeGaT Center For Human Genetics Tuebingen Variant Classification Criteria Version 2. Collection method: clinical testing. Allele origin: germline. Affected: yes. Observed: 1 variant allele.
Comment: IRF2BPL: BP4, BP7

Blueprint Genetics
Classification: Likely benign. Last evaluated: 2024-11-27. Review status: criteria provided, single submitter. Criteria: ACMG Guidelines, 2015. Collection method: clinical testing. Allele origin: germline.